The following is an entry in ClinVar:

ClinVar aggregate classification (germline): Pathogenic (1 of 4 stars; one submission).

Conditions:
Nemaline myopathy 2 (NEM2). Also called: Nemaline myopathy 2, autosomal recessive. Identifiers: MedGen C1850569, MONDO:0009725, OMIM 256030.

Submission:

Myriad Genetics, Inc.
Classification: Pathogenic for Nemaline myopathy 2. Last evaluated: 2023-10-25. Review status: criteria provided, single submitter. Criteria: Myriad Autosomal Dominant, Autosomal Recessive and X-Linked Classification Criteria (2023). Collection method: clinical testing. Allele origin: unknown.
Comment: NM_001271208.1(NEB):c.19081_19082delAG(S6361Wfs*3) is expected to be pathogenic in the context of NEB-related nemaline myopathy. This variant is predicted to lead to an abnormal or absent protein product due to the creation of a premature termination codon in NEB, a gene where loss-of-function variants are known to be pathogenic. Please note: this variant was assessed in the context of healthy population screening.

NM_001164508.2(NEB):c.19081_19082del (p.Ser6361fs)

Gene: NEB (nebulin; minus strand). Cytogenetic location: 2q23.3.
Variant type: Microsatellite.
Coding change: c.19081_19082del on transcript NM_001164508.2 (MANE Select); coding-DNA positions 19081 to 19082, 2 bases deleted (AG; older notation c.19081_19082delAG).
Protein change: p.Ser6361fs; shifts the reading frame from serine 6361.
Molecular consequence: frameshift variant.
Genome position (GRCh38, 1-based): chr2:151,561,227-151,561,228, CT deleted on the plus strand (AG on the coding strand, the reverse complement: NEB is on the minus strand); deleting any 2 consecutive bases within chr2:151,561,227-151,561,230 gives the same sequence; the c. name uses the placement nearest the transcript's 3' end. VCF-style (leftmost placement, unchanged base first): chr2-151561226-ACT-A. GRCh37 (hg19) VCF-style: chr2-152417740-ACT-A.
Other names: c.19081_19082del, p.Ser6361fs (NM_001164507.2, NM_001271208.2); c.13978_13979del, p.Ser4660fs (NM_004543.5); short protein forms S4660fs, S6361fs.
Identifiers: ClinVar variation 5012425 (VCV005012425.1).
Genomic context (GRCh38, chr2:151,561,226, plus strand): 5'-AGAAATAGTTTGTCCCTGGAAGAGGAGTACAGGAAGACGCACCTCACTGGCATTAATGCC[ACT>A]CTGAACAGCAGTCACATAGAGGGGCGTGTCTGTGACCAGATTATAGTTTTGTAGATTTTC-3'